The following is an entry in ClinVar:

NM_001267550.2(TTN):c.93388G>A (p.Ala31130Thr)

Genes: TTN (titin; minus strand), TTN-AS1 (TTN antisense RNA 1; plus strand). Cytogenetic location: 2q31.2.
Variant type: single nucleotide variant.
Coding change: c.93388G>A on transcript NM_001267550.2 (MANE Select); coding-DNA position 93388, G replaced by A.
Protein change: p.Ala31130Thr; replaces alanine 31130 with threonine.
Molecular consequence: missense variant.
Genome position (GRCh38, 1-based): chr2:178,548,238, C>T on the plus strand (G>A on the coding strand, the complement: TTN is on the minus strand). VCF-style: chr2-178548238-C-T. GRCh37 (hg19) VCF-style: chr2-179412965-C-T.
Other names: p.Ala29489Thr; c.88465G>A, p.Ala29489Thr (NM_001256850.1); c.66193G>A, p.Ala22065Thr (NM_003319.4); c.85684G>A, p.Ala28562Thr (NM_133378.4); c.66568G>A, p.Ala22190Thr (NM_133432.3); c.66769G>A, p.Ala22257Thr (NM_133437.4); short protein forms A22065T, A31130T, A28562T, A22190T, A29489T, A22257T.
Identifiers: ClinVar variation 518533 (VCV000518533.13), dbSNP rs759107930, ClinGen allele CA1987308.

ClinVar aggregate classification (germline): Uncertain significance. Review status: criteria provided, multiple submitters, no conflicts (2 of 4 stars). 4 submissions from 4 submitters: Uncertain significance (4). Last evaluated 2025-06-20.

Conditions:
Cardiovascular phenotype. Identifiers: MedGen CN230736.

Allele frequency attached by ClinVar (database versions not stated): gnomAD exomes 0.00002; TOPMed 0.00003; ExAC 0.00002; gnomAD 0.00003.
gnomAD v4.1: 59 of 1,613,666 alleles (0.0037%); highest among the groups gnomAD compares: Non-Finnish European, 0.0046%; no homozygotes.

Submissions (4):

Mayo Clinic Laboratories, Mayo Clinic
Classification: Uncertain significance. Last evaluated: 2025-06-20. Review status: criteria provided, single submitter. Criteria: ACMG Guidelines, 2015. Collection method: clinical testing. Allele origin: germline. Observed: 1 variant allele.
Comment: BP4

Revvity Omics, Revvity
Classification: Uncertain significance. Last evaluated: 2023-03-29. Review status: criteria provided, single submitter. Criteria: ACMG Guidelines, 2015. Collection method: clinical testing. Allele origin: germline.

Eurofins Ntd Llc (ga)
Classification: Uncertain significance. Last evaluated: 2018-08-13. Review status: criteria provided, single submitter. Criteria: EGL ClinVar v180209 classification definitions. Collection method: clinical testing. Allele origin: germline. Observed: 1 variant allele, 1 heterozygote.

Ambry Genetics
Classification: Uncertain significance for Cardiovascular phenotype. Last evaluated: 2016-06-08. Review status: criteria provided, single submitter. Criteria: Ambry Variant Classification Scheme 2023. Collection method: clinical testing. Allele origin: germline.
Comment: The p.A22065T variant (also known as c.66193G>A), located in coding exon 166 of the TTN gene, results from a G to A substitution at nucleotide position 66193. The alanine at codon 22065 is replaced by threonine, an amino acid with similar properties, and is located in the A-band region of the titin protein. Based on data from ExAC, the A allele has an overall frequency of <0.01% (2/105540). This amino acid position is not well conserved in available vertebrate species. In addition, this alteration is predicted to be tolerated by in silico analysis. Since supporting evidence is limited at this time, the clinical significance of this variant remains unclear.